The following is an entry in ClinVar:

ClinVar aggregate classification (germline): Likely pathogenic (1 of 4 stars; one submission).

Conditions:
Familial hemophagocytic lymphohistiocytosis 3 (FHL3). Also called: UNC13D-Related Familial Hemophagocytic Lymphohistiocytosis (UNC13D-fHLH). Identifiers: Orphanet 540, MedGen C1837174, MONDO:0012146, OMIM 608898.

Submission:

Labcorp Genetics (formerly Invitae), Labcorp
Classification: Likely pathogenic for Familial hemophagocytic lymphohistiocytosis 3. Last evaluated: 2023-07-26. Review status: criteria provided, single submitter. Criteria: Invitae Variant Classification Sherloc (09022015). Collection method: clinical testing. Allele origin: germline.
Comment: This sequence change affects a splice site in intron 4 of the UNC13D gene. It is expected to disrupt RNA splicing. Variants that disrupt the donor or acceptor splice site typically lead to a loss of protein function (PMID: 16199547), and loss-of-function variants in UNC13D are known to be pathogenic (PMID: 14622600). This variant is not present in population databases (gnomAD no frequency). Disruption of this splice site has been observed in individual(s) with UNC13D-related conditions (PMID: 32542393). ClinVar contains an entry for this variant (Variation ID: 837222). Algorithms developed to predict the effect of sequence changes on RNA splicing suggest that this variant may disrupt the consensus splice site. In summary, the currently available evidence indicates that the variant is pathogenic, but additional data are needed to prove that conclusively. Therefore, this variant has been classified as Likely Pathogenic.

Literature cited by the submitters: PubMed 16199547; PubMed 14622600; PubMed 32542393.

NM_199242.3(UNC13D):c.321+1_321+2del

Gene: UNC13D (unc-13 homolog D; minus strand). Cytogenetic location: 17q25.1.
Variant type: Deletion.
Coding change: c.321+1_321+2del on transcript NM_199242.3 (MANE Select); the canonical splice donor site of the intron after coding-DNA position 321, 2 bases deleted (GT; older notation c.321+1_321+2delGT).
Molecular consequence: splice donor variant.
Genome position (GRCh38, 1-based): chr17:75,843,012-75,843,013, AC deleted on the plus strand (GT on the coding strand, the reverse complement: UNC13D is on the minus strand). VCF-style (leftmost placement, unchanged base first): chr17-75843011-TAC-T. GRCh37 (hg19) VCF-style: chr17-73839092-TAC-T.
Identifiers: ClinVar variation 837222 (VCV000837222.7), dbSNP rs2064960126, ClinGen allele CA916081133.